The following is an entry in ClinVar:

NM_032043.3(BRIP1):c.1375A>G (p.Arg459Gly)

Gene: BRIP1 (BRCA1 interacting DNA helicase 1; minus strand). Cytogenetic location: 17q23.2.
Variant type: single nucleotide variant.
Coding change: c.1375A>G on transcript NM_032043.3 (MANE Select); coding-DNA position 1375, A replaced by G.
Protein change: p.Arg459Gly; replaces arginine 459 with glycine.
Molecular consequence: missense variant.
Genome position (GRCh38, 1-based): chr17:61,793,695, T>C on the plus strand (A>G on the coding strand, the complement: BRIP1 is on the minus strand). VCF-style: chr17-61793695-T-C. GRCh37 (hg19) VCF-style: chr17-59871056-T-C.
Other names: short protein forms R459G.
Identifiers: ClinVar variation 233813 (VCV000233813.19), dbSNP rs752052351, ClinGen allele CA8690748.

ClinVar aggregate classification (germline): Uncertain significance. Review status: criteria provided, multiple submitters, no conflicts (2 of 4 stars). 6 submissions from 6 submitters: Uncertain significance (6). Last evaluated 2024-05-24.

Conditions:
Fanconi anemia complementation group J. Also called: BRIP1-Related Fanconi Anemia. Identifiers: Orphanet 84, MedGen C1836860, MONDO:0012187, OMIM 609054.
Familial cancer of breast. Also called: hereditary breast carcinoma; BREAST CANCER, FAMILIAL; Hereditary breast cancer. Identifiers: Orphanet 227535, MedGen C0346153, MONDO:0016419, OMIM 114480. Disease mechanism: loss of function.
Hereditary cancer-predisposing syndrome. Also called: Tumor predisposition; Hereditary Cancer Syndrome; Hereditary neoplastic syndrome; Neoplastic Syndromes, Hereditary. Identifiers: Orphanet 140162, MedGen C0027672, MeSH D009386, MONDO:0015356.

Allele frequency attached by ClinVar (database versions not stated): gnomAD exomes below 0.00001; gnomAD 0.00001; TOPMed 0.00002.
gnomAD v4.1: 4 of 1,610,664 alleles (0.00025%); highest among the groups gnomAD compares: East Asian, 0.0022%; no homozygotes.

Submissions (6):

Ambry Genetics
Classification: Uncertain significance for Hereditary cancer-predisposing syndrome. Last evaluated: 2024-05-24. Review status: criteria provided, single submitter. Criteria: Ambry Variant Classification Scheme 2023. Collection method: clinical testing. Allele origin: germline.
Comment: The p.R459G variant (also known as c.1375A>G), located in coding exon 9 of the BRIP1 gene, results from an A to G substitution at nucleotide position 1375. The arginine at codon 459 is replaced by glycine, an amino acid with dissimilar properties. This amino acid position is highly conserved in available vertebrate species. In addition, the in silico prediction for this alteration is inconclusive. Since supporting evidence is limited at this time, the clinical significance of this alteration remains unclear.

Baylor Genetics
Classification: Uncertain significance for Familial cancer of breast. Last evaluated: 2023-09-08. Review status: criteria provided, single submitter. Criteria: ACMG Guidelines, 2015. Collection method: clinical testing. Allele origin: unknown.

Quest Diagnostics Nichols Institute San Juan Capistrano
Classification: Uncertain significance. Last evaluated: 2022-11-03. Review status: criteria provided, single submitter. Criteria: Quest Diagnostics criteria. Collection method: clinical testing. Allele origin: unknown.
Comment: The frequency of this variant in the general population, 0.0000072 (2/279280 chromosomes), is uninformative in assessment of its pathogenicity. In a large-scale breast cancer association study, the variant was observed in individuals with breast cancer (PMID: 33471991 (2021), see also LOVD). Analysis of this variant using bioinformatics tools for the prediction of the effect of amino acid changes on protein structure and function yielded predictions that this variant is benign. Based on the available information, we are unable to determine the clinical significance of this variant.

Labcorp Genetics (formerly Invitae), Labcorp
Classification: Uncertain significance for Familial cancer of breast; Fanconi anemia complementation group J. Last evaluated: 2021-12-15. Review status: criteria provided, single submitter. Criteria: Invitae Variant Classification Sherloc (09022015). Collection method: clinical testing. Allele origin: germline.
Comment: This sequence change replaces arginine, which is basic and polar, with glycine, which is neutral and non-polar, at codon 459 of the BRIP1 protein (p.Arg459Gly). This variant is present in population databases (rs752052351, gnomAD 0.01%). This variant has not been reported in the literature in individuals affected with BRIP1-related conditions. ClinVar contains an entry for this variant (Variation ID: 233813). Algorithms developed to predict the effect of missense changes on protein structure and function are either unavailable or do not agree on the potential impact of this missense change (SIFT: "Tolerated"; PolyPhen-2: "Possibly Damaging"; Align-GVGD: "Class C0"). In summary, the available evidence is currently insufficient to determine the role of this variant in disease. Therefore, it has been classified as a Variant of Uncertain Significance.

Genetic Services Laboratory, University of Chicago
Classification: Uncertain significance. Last evaluated: 2020-04-22. Review status: criteria provided, single submitter. Criteria: ACMG Guidelines, 2015. Collection method: clinical testing. Allele origin: germline. Affected: no.

Color Diagnostics, LLC DBA Color Health
Classification: Uncertain significance for Hereditary cancer-predisposing syndrome. Last evaluated: 2020-01-27. Review status: criteria provided, single submitter. Criteria: ACMG Guidelines, 2015. Collection method: clinical testing. Allele origin: germline.
Comment: This missense variant replaces arginine with glycine at codon 459 of the BRIP1 protein. Computational prediction tool is inconclusive regarding the impact of this variant on protein structure and function (internally defined REVEL score threshold 0.5 < inconclusive < 0.7, PMID: 27666373). Splice site prediction tools suggest that this variant may not impact RNA splicing. To our knowledge, functional studies have not been performed for this variant. This variant has not been reported in individuals affected with hereditary cancer in the literature. This variant has been identified in 2/279280 chromosomes in the general population by the Genome Aggregation Database (gnomAD). The available evidence is insufficient to determine the role of this variant in disease conclusively. Therefore, this variant is classified as a Variant of Uncertain Significance.

Literature cited by the submitters: PubMed 33471991 (cited by Quest Diagnostics Nichols Institute San Juan Capistrano).